The following is an entry in ClinVar:

ClinVar aggregate classification (germline): Uncertain significance. Review status: criteria provided, multiple submitters, no conflicts (2 of 4 stars). 4 submissions from 4 submitters: Uncertain significance (4). Last evaluated 2026-06-29.

Conditions:
Inborn genetic diseases. Identifiers: MedGen C0950123, MeSH D030342.

Allele frequency attached by ClinVar (database versions not stated): TOPMed 0.00003; ExAC 0.00004; gnomAD 0.00001; gnomAD exomes 0.00001 and 0.00003.
gnomAD v4.1: 18 of 1,613,996 alleles (0.0011%); highest among the groups gnomAD compares: Admixed American, 0.0067%; no homozygotes.

Submissions (4):

Ambry Genetics
Classification: Uncertain significance for Inborn genetic diseases. Last evaluated: 2026-06-29. Review status: criteria provided, single submitter. Criteria: Ambry Variant Classification Scheme 2023. Collection method: clinical testing. Allele origin: germline.

Blueprint Genetics
Classification: Uncertain significance. Last evaluated: 2024-09-30. Review status: criteria provided, single submitter. Criteria: ACMG Guidelines, 2015. Collection method: clinical testing. Allele origin: germline.

Labcorp Genetics (formerly Invitae), Labcorp
Classification: Uncertain significance. Last evaluated: 2023-11-03. Review status: criteria provided, single submitter. Criteria: Invitae Variant Classification Sherloc (09022015). Collection method: clinical testing. Allele origin: germline.
Comment: This sequence change replaces arginine, which is basic and polar, with glutamine, which is neutral and polar, at codon 407 of the HK1 protein (p.Arg407Gln). This variant is present in population databases (rs777108601, gnomAD 0.01%). This missense change has been observed in individual(s) with autosomal dominant retinitis pigmentosa (Invitae). ClinVar contains an entry for this variant (Variation ID: 439786). Advanced modeling of protein sequence and biophysical properties (such as structural, functional, and spatial information, amino acid conservation, physicochemical variation, residue mobility, and thermodynamic stability) performed at Invitae indicates that this missense variant is not expected to disrupt HK1 protein function with a negative predictive value of 80%. In summary, the available evidence is currently insufficient to determine the role of this variant in disease. Therefore, it has been classified as a Variant of Uncertain Significance.

ARUP Laboratories, Molecular Genetics and Genomics, ARUP Laboratories
Classification: Uncertain significance. Last evaluated: 2016-11-10. Review status: criteria provided, single submitter. Criteria: ARUP Molecular Germline Variant Investigation Process. Collection method: clinical testing. Allele origin: germline.

NM_000188.3(HK1):c.1220G>A (p.Arg407Gln)

Gene: HK1 (hexokinase 1; plus strand). Cytogenetic location: 10q22.1.
Variant type: single nucleotide variant.
Coding change: c.1220G>A on transcript NM_000188.3 (MANE Select); coding-DNA position 1220, G replaced by A.
Protein change: p.Arg407Gln; replaces arginine 407 with glutamine.
Molecular consequence: missense variant.
Genome position (GRCh38, 1-based): chr10:69,380,050, G>A. VCF-style: chr10-69380050-G-A. GRCh37 (hg19) VCF-style: chr10-71139806-G-A.
Other names: c.1232G>A, p.Arg411Gln (NM_001322364.2, NM_001358263.1, NM_033497.3 and 1 more transcripts); c.1325G>A, p.Arg442Gln (NM_001322365.2); c.1136G>A, p.Arg379Gln (NM_001322366.1); c.1124G>A, p.Arg375Gln (NM_001322367.1); c.1217G>A, p.Arg406Gln (NM_033496.3); c.1184G>A, p.Arg395Gln (NM_033500.2); c.1220G>A (NM_000188.2); short protein forms R395Q, R407Q, R375Q, R379Q, R442Q, R406Q, R411Q.
Identifiers: ClinVar variation 439786 (VCV000439786.16), dbSNP rs777108601, ClinGen allele CA5532533.